The following is an entry in ClinVar:

NM_001323289.2(CDKL5):c.978-6A>G

Gene: CDKL5 (cyclin dependent kinase like 5; plus strand). Cytogenetic location: Xp22.13.
Variant type: single nucleotide variant.
Coding change: c.978-6A>G on transcript NM_001323289.2 (MANE Select); 6 bases into the intron before coding-DNA position 978, A replaced by G.
Molecular consequence: intron variant.
Genome position (GRCh38, 1-based): chrX:18,603,896, A>G. VCF-style: chrX-18603896-A-G. GRCh37 (hg19) VCF-style: chrX-18622016-A-G.
Other names: c.978-6A>G (NM_003159.3, NM_001037343.2).
Identifiers: ClinVar variation 4786805 (VCV004786805.1).

ClinVar aggregate classification (germline): Uncertain significance (1 of 4 stars; one submission).

Conditions:
Angelman syndrome-like. Identifiers: MedGen CN128785.
Developmental and epileptic encephalopathy, 2 (DEE2). Also called: INFANTILE SPASM SYNDROME, X-LINKED 2; CDKL5 deficiency disorder. Identifiers: Orphanet 1934, Orphanet 3451, Orphanet 505652, MedGen C4750718, MONDO:0010396, OMIM 300672.

Submission:

Labcorp Genetics (formerly Invitae), Labcorp
Classification: Uncertain significance for Developmental and epileptic encephalopathy, 2; Angelman syndrome-like. Last evaluated: 2025-11-25. Review status: criteria provided, single submitter. Criteria: Invitae Variant Classification Sherloc (09022015). Collection method: clinical testing. Allele origin: germline.
Comment: This sequence change falls in intron 11 of the CDKL5 gene. It does not directly change the encoded amino acid sequence of the CDKL5 protein. This variant is not present in population databases (gnomAD no frequency). This variant has not been reported in the literature in individuals affected with CDKL5-related conditions. Algorithms developed to predict the effect of sequence changes on RNA splicing suggest that this variant may disrupt the consensus splice site. In summary, the available evidence is currently insufficient to determine the role of this variant in disease. Therefore, it has been classified as a Variant of Uncertain Significance.